The following is an entry in ClinVar:

ClinVar aggregate classification (germline): Uncertain significance (1 of 4 stars; one submission).

Conditions:
ALG1-congenital disorder of glycosylation. Also called: CONGENITAL DISORDER OF GLYCOSYLATION, TYPE Ik; CDG Ik; ALG1-CDG. Identifiers: Orphanet 79327, MedGen C2931005, MONDO:0012052, OMIM 608540.

Submission:

Labcorp Genetics (formerly Invitae), Labcorp
Classification: Uncertain significance for ALG1-congenital disorder of glycosylation. Last evaluated: 2022-08-22. Review status: criteria provided, single submitter. Criteria: Invitae Variant Classification Sherloc (09022015). Collection method: clinical testing. Allele origin: germline.
Comment: In summary, the available evidence is currently insufficient to determine the role of this variant in disease. Therefore, it has been classified as a Variant of Uncertain Significance. Algorithms developed to predict the effect of missense changes on protein structure and function (SIFT, PolyPhen-2, Align-GVGD) all suggest that this variant is likely to be tolerated. This variant has not been reported in the literature in individuals affected with ALG1-related conditions. This variant is not present in population databases (gnomAD no frequency). This sequence change replaces proline, which is neutral and non-polar, with arginine, which is basic and polar, at codon 123 of the ALG1 protein (p.Pro123Arg).

NM_019109.5(ALG1):c.368C>G (p.Pro123Arg)

Gene: ALG1 (ALG1 chitobiosyldiphosphodolichol beta-mannosyltransferase; plus strand). Cytogenetic location: 16p13.3.
Variant type: single nucleotide variant.
Coding change: c.368C>G on transcript NM_019109.5 (MANE Select); coding-DNA position 368, C replaced by G.
Protein change: p.Pro123Arg; replaces proline 123 with arginine.
Molecular consequence: missense variant.
Genome position (GRCh38, 1-based): chr16:5,073,234, C>G. VCF-style: chr16-5073234-C-G. GRCh37 (hg19) VCF-style: chr16-5123235-C-G.
Other names: c.35C>G, p.Pro12Arg (NM_001330504.2); short protein forms P123R, P12R.
Identifiers: ClinVar variation 1717538 (VCV001717538.5), dbSNP rs1956850961, ClinGen allele CA394680007.
Genomic context (GRCh38, chr16:5,073,234, plus strand): 5'-ACGGAGTCAAAGTTGTACTTCAGGCTATGTACTTGCTGTGGAAGTTGATGTGGAGGGAGC[C>G]AGGTGCCTATATCTTTCTCCAGGTGTGTATCAGCCTCTGCCTCCCTCTGTGAGAGCCATG-3'
Protein context (NP_061982.3, residues 113-133): YLLWKLMWRE[Pro123Arg]GAYIFLQNPP